The following is an entry in ClinVar:

ClinVar aggregate classification (germline): Uncertain significance. Review status: criteria provided, multiple submitters, no conflicts (2 of 4 stars). 2 submissions from 2 submitters: Uncertain significance (2). Last evaluated 2023-10-22.

Conditions:
Inborn genetic diseases. Identifiers: MedGen C0950123, MeSH D030342.

gnomAD v4.1: 2 of 1,613,002 alleles (0.00012%); highest among the groups gnomAD compares: Admixed American, 0.0033%; no homozygotes.

Submissions (2):

Labcorp Genetics (formerly Invitae), Labcorp
Classification: Uncertain significance. Last evaluated: 2023-10-22. Review status: criteria provided, single submitter. Criteria: Invitae Variant Classification Sherloc (09022015). Collection method: clinical testing. Allele origin: germline.
Comment: This sequence change replaces glycine, which is neutral and non-polar, with alanine, which is neutral and non-polar, at codon 690 of the JAK2 protein (p.Gly690Ala). This variant is present in population databases (no rsID available, gnomAD 0.006%). This variant has not been reported in the literature in individuals affected with JAK2-related conditions. ClinVar contains an entry for this variant (Variation ID: 2263024). Advanced modeling of protein sequence and biophysical properties (such as structural, functional, and spatial information, amino acid conservation, physicochemical variation, residue mobility, and thermodynamic stability) performed at Invitae indicates that this missense variant is not expected to disrupt JAK2 protein function. In summary, the available evidence is currently insufficient to determine the role of this variant in disease. Therefore, it has been classified as a Variant of Uncertain Significance.

Ambry Genetics
Classification: Uncertain significance for Inborn genetic diseases. Last evaluated: 2021-12-08. Review status: criteria provided, single submitter. Criteria: Ambry Variant Classification Scheme 2023. Collection method: clinical testing. Allele origin: germline.

NM_004972.4(JAK2):c.2069G>C (p.Gly690Ala)

Genes: INSL6 (insulin like 6; minus strand), JAK2 (Janus kinase 2; plus strand). Cytogenetic location: 9p24.1.
Variant type: single nucleotide variant.
Coding change: c.2069G>C on transcript NM_004972.4 (MANE Select); coding-DNA position 2069, G replaced by C.
Protein change: p.Gly690Ala; replaces glycine 690 with alanine.
Molecular consequence: missense variant. On other transcripts: non-coding transcript variant (2).
Genome position (GRCh38, 1-based): chr9:5,078,382, G>C. VCF-style: chr9-5078382-G-C. GRCh37 (hg19) VCF-style: chr9-5078382-G-C.
Other names: c.2069G>C, p.Gly690Ala (NM_001322194.2, NM_001322195.2, NM_001322196.2); c.854G>C, p.Gly285Ala (NM_001322198.2, NM_001322199.2); c.1622G>C, p.Gly541Ala (NM_001322204.2); short protein forms G690A, G541A, G285A.
Identifiers: ClinVar variation 2263024 (VCV002263024.5), dbSNP rs925859072, ClinGen allele CA372827203.